The following is an entry in ClinVar:

ClinVar aggregate classification (germline): Pathogenic (1 of 4 stars; one submission).

Conditions:
Dentinogenesis imperfecta type 2 (DGI1). Also called: CAPDEPONT TEETH; OPALESCENT DENTIN; OPALESCENT TEETH WITHOUT OSTEOGENESIS IMPERFECTA; Dentinogenesis imperfecta without osteogenesis imperfecta; Hereditary Opalescent Dentin; Dentinogenesis imperfecta - Shield's type II. Identifiers: Orphanet 166260, MedGen C2973527, MONDO:0007441, OMIM 125490. Disease mechanism: loss of function.

Submission:

Reference Center For Rare Oral And Dental Diseases, CRMR O-Rares, Hôpitaux Universitaires De Strasbourg
Classification: Pathogenic for Dentinogenesis imperfecta type 2. Last evaluated: 2025-09-03. Review status: criteria provided, single submitter. Criteria: ACMG Guidelines, 2015. Collection method: clinical testing. Allele origin: inherited. Inheritance: Autosomal dominant inheritance. Affected: yes. Observed: 5 variant alleles.
Comment: PVS1, PM2, PP1, PP4 (5)

Literature cited by the submitters: PubMed 26502894.

NM_014208.3(DSPP):c.3480del (p.Ser1160fs)

Genes: DMP1-AS1 (DMP1 and DSPP antisense RNA 1; minus strand), DSPP (dentin sialophosphoprotein; plus strand). Cytogenetic location: 4q22.1.
Variant type: Deletion.
Coding change: c.3480del on transcript NM_014208.3 (MANE Select); coding-DNA position 3480, one base deleted (T; older notation c.3480delT).
Protein change: p.Ser1160fs; shifts the reading frame from serine 1160.
Molecular consequence: frameshift variant.
Genome position (GRCh38, 1-based): chr4:87,616,142, T deleted. VCF-style (leftmost placement, unchanged base first): chr4-87616141-GT-G. GRCh37 (hg19) VCF-style: chr4-88537293-GT-G.
Other names: short protein forms S1160fs.
Identifiers: ClinVar variation 4082213 (VCV004082213.1).